The following is an entry in ClinVar:

ClinVar aggregate classification (germline): Pathogenic (1 of 4 stars; one submission).

Submission:

Labcorp Genetics (formerly Invitae), Labcorp
Classification: Pathogenic. Last evaluated: 2025-09-17. Review status: criteria provided, single submitter. Criteria: Invitae Variant Classification Sherloc (09022015). Collection method: clinical testing. Allele origin: germline.
Comment: This sequence change creates a premature translational stop signal (p.Glu276*) in the OPHN1 gene. It is expected to result in an absent or disrupted protein product. Loss-of-function variants in OPHN1 are known to be pathogenic (PMID: 12807966). This variant is not present in population databases (gnomAD no frequency). This variant has not been reported in the literature in individuals affected with OPHN1-related conditions. Algorithms developed to predict the effect of sequence changes on RNA splicing suggest that this variant may disrupt the consensus splice site. For these reasons, this variant has been classified as Pathogenic.

Literature cited by the submitters: PubMed 12807966.

NM_002547.3(OPHN1):c.826G>T (p.Glu276Ter)

Gene: OPHN1 (oligophrenin 1; minus strand). Cytogenetic location: Xq12.
Variant type: single nucleotide variant.
Coding change: c.826G>T on transcript NM_002547.3 (MANE Select); coding-DNA position 826, G replaced by T.
Protein change: p.Glu276Ter; replaces glutamic acid 276 with a stop codon.
Molecular consequence: nonsense.
Genome position (GRCh38, 1-based): chrX:68,210,159, C>A on the plus strand (G>T on the coding strand, the complement: OPHN1 is on the minus strand). VCF-style: chrX-68210159-C-A. GRCh37 (hg19) VCF-style: chrX-67430001-C-A.
Other names: c.826G>T, p.Glu276Ter (NM_001437258.1); short protein forms E276*.
Identifiers: ClinVar variation 4804931 (VCV004804931.1).
Genomic context (GRCh38, chrX:68,210,159, plus strand): 5'-GCAGTAGTTCCTGGCTTATTGAAACCCAATGGATACCCCTATGTCCCCACACACATTTCT[C>A]TTGTGTATAGAGATAGCCTTCAATAGTTGGCTGTCCTGGAAGTTTGCATGTCTGGGGAGC-3'